The following is an entry in ClinVar:

ClinVar aggregate classification (germline): Uncertain significance. Review status: criteria provided, multiple submitters, no conflicts (2 of 4 stars). 2 submissions from 2 submitters: Uncertain significance (2). Last evaluated 2024-09-04.

Conditions:
Spastic paraplegia. Identifiers: MedGen C0037772, HP:0001258.

Allele frequency attached by ClinVar (database versions not stated): TOPMed 0.00007.

Submissions (2):

Ambry Genetics
Classification: Uncertain significance. Last evaluated: 2024-09-04. Review status: criteria provided, single submitter. Criteria: Ambry Variant Classification Scheme 2023. Collection method: clinical testing. Allele origin: germline.

Labcorp Genetics (formerly Invitae), Labcorp
Classification: Uncertain significance for Spastic paraplegia. Last evaluated: 2019-12-11. Review status: criteria provided, single submitter. Criteria: Invitae Variant Classification Sherloc (09022015). Collection method: clinical testing. Allele origin: germline.
Comment: This variant has not been reported in the literature in individuals with ARSI-related conditions. In summary, the available evidence is currently insufficient to determine the role of this variant in disease. Therefore, it has been classified as a Variant of Uncertain Significance. Algorithms developed to predict the effect of missense changes on protein structure and function are either unavailable or do not agree on the potential impact of this missense change (SIFT: "Deleterious"; PolyPhen-2: "Benign"; Align-GVGD: "Class C0"). This variant is present in population databases (rs771311478, ExAC 0.02%). This sequence change replaces arginine with histidine at codon 497 of the ARSI protein (p.Arg497His). The arginine residue is highly conserved and there is a small physicochemical difference between arginine and histidine.

NM_001012301.4(ARSI):c.1490G>A (p.Arg497His)

Gene: ARSI (arylsulfatase family member I; minus strand). Cytogenetic location: 5q32.
Variant type: single nucleotide variant.
Coding change: c.1490G>A on transcript NM_001012301.4 (MANE Select); coding-DNA position 1490, G replaced by A.
Protein change: p.Arg497His; replaces arginine 497 with histidine.
Molecular consequence: missense variant.
Genome position (GRCh38, 1-based): chr5:150,297,434, C>T on the plus strand (G>A on the coding strand, the complement: ARSI is on the minus strand). VCF-style: chr5-150297434-C-T. GRCh37 (hg19) VCF-style: chr5-149676997-C-T.
Other names: short protein forms R497H.
Identifiers: ClinVar variation 862191 (VCV000862191.10), dbSNP rs771311478, ClinGen allele CA3510071.